The following is an entry in ClinVar:

NM_012281.3(KCND2):c.359C>A (p.Ala120Asp)

Gene: KCND2 (potassium voltage-gated channel subfamily D member 2; plus strand). Cytogenetic location: 7q31.31.
Variant type: single nucleotide variant.
Coding change: c.359C>A on transcript NM_012281.3 (MANE Select); coding-DNA position 359, C replaced by A.
Protein change: p.Ala120Asp; replaces alanine 120 with aspartic acid.
Molecular consequence: missense variant.
Genome position (GRCh38, 1-based): chr7:120,274,991, C>A. VCF-style: chr7-120274991-C-A. GRCh37 (hg19) VCF-style: chr7-119915045-C-A.
Other names: short protein forms A120D.
Identifiers: ClinVar variation 1043092 (VCV001043092.8), dbSNP rs1199722034, ClinGen allele CA369131423.

ClinVar aggregate classification (germline): Uncertain significance (1 of 4 stars; one submission).

Conditions:
Early Myoclonic Encephalopathy. Identifiers: MedGen C0270855.

Allele frequency attached by ClinVar (database versions not stated): TOPMed below 0.00001; gnomAD 0.00001.
gnomAD v4.1: 2 of 1,613,974 alleles (0.00012%); highest among the groups gnomAD compares: Non-Finnish European, 0.00017%; no homozygotes.

Submission:

Labcorp Genetics (formerly Invitae), Labcorp
Classification: Uncertain significance for Early Myoclonic Encephalopathy. Last evaluated: 2021-02-25. Review status: criteria provided, single submitter. Criteria: Invitae Variant Classification Sherloc (09022015). Collection method: clinical testing. Allele origin: germline.
Comment: This variant has not been reported in the literature in individuals with KCND2-related conditions. Algorithms developed to predict the effect of missense changes on protein structure and function are either unavailable or do not agree on the potential impact of this missense change (SIFT: "Deleterious"; PolyPhen-2: "Benign"; Align-GVGD: "Class C0"). In summary, the available evidence is currently insufficient to determine the role of this variant in disease. Therefore, it has been classified as a Variant of Uncertain Significance. This sequence change replaces alanine with aspartic acid at codon 120 of the KCND2 protein (p.Ala120Asp). The alanine residue is moderately conserved and there is a moderate physicochemical difference between alanine and aspartic acid. This variant is not present in population databases (ExAC no frequency).